The following is an entry in ClinVar:

NM_177438.3(DICER1):c.989A>G (p.Gln330Arg)

Gene: DICER1 (dicer 1, ribonuclease III; minus strand). Cytogenetic location: 14q32.13.
Variant type: single nucleotide variant.
Coding change: c.989A>G on transcript NM_177438.3 (MANE Select); coding-DNA position 989, A replaced by G.
Protein change: p.Gln330Arg; replaces glutamine 330 with arginine.
Molecular consequence: missense variant. On other transcripts: 5 prime UTR variant (1), non-coding transcript variant (6).
Genome position (GRCh38, 1-based): chr14:95,124,583, T>C on the plus strand (A>G on the coding strand, the complement: DICER1 is on the minus strand). VCF-style: chr14-95124583-T-C. GRCh37 (hg19) VCF-style: chr14-95590920-T-C.
Other names: c.989A>G, p.Gln330Arg (NM_001195573.1, NM_001271282.3, NM_001291628.2 and 14 more transcripts); c.707A>G, p.Gln236Arg (NM_001395686.1); c.584A>G, p.Gln195Arg (NM_001395687.1, NM_001395688.1, NM_001395689.1 and 3 more transcripts); c.422A>G, p.Gln141Arg (NM_001395691.1); c.-580A>G (NM_001395697.1); short protein forms Q141R, Q236R, Q330R, Q195R.
Identifiers: ClinVar variation 3839984 (VCV003839984.1).

ClinVar aggregate classification (germline): Uncertain significance (1 of 4 stars; one submission).

Conditions:
Hereditary cancer-predisposing syndrome. Also called: Hereditary neoplastic syndrome; Neoplastic Syndromes, Hereditary; Tumor predisposition; Hereditary Cancer Syndrome. Identifiers: Orphanet 140162, MedGen C0027672, MeSH D009386, MONDO:0015356.

Submission:

Ambry Genetics
Classification: Uncertain significance for Hereditary cancer-predisposing syndrome. Last evaluated: 2024-12-14. Review status: criteria provided, single submitter. Criteria: Ambry Variant Classification Scheme 2023. Collection method: clinical testing. Allele origin: germline.
Comment: The p.Q330R variant (also known as c.989A>G), located in coding exon 7 of the DICER1 gene, results from an A to G substitution at nucleotide position 989. The glutamine at codon 330 is replaced by arginine, an amino acid with highly similar properties. This amino acid position is conserved. In addition, the in silico prediction for this alteration is inconclusive. Based on the available evidence, the clinical significance of this variant remains unclear.